The following is an entry in ClinVar:

NM_000310.4(PPT1):c.8C>T (p.Ser3Leu)

Gene: PPT1 (palmitoyl-protein thioesterase 1; minus strand). Cytogenetic location: 1p34.2.
Variant type: single nucleotide variant.
Coding change: c.8C>T on transcript NM_000310.4 (MANE Select); coding-DNA position 8, C replaced by T.
Protein change: p.Ser3Leu; replaces serine 3 with leucine.
Molecular consequence: missense variant.
Genome position (GRCh38, 1-based): chr1:40,097,231, G>A on the plus strand (C>T on the coding strand, the complement: PPT1 is on the minus strand). VCF-style: chr1-40097231-G-A. GRCh37 (hg19) VCF-style: chr1-40562903-G-A.
Other names: c.8C>T, p.Ser3Leu (NM_001142604.2, NM_001363695.2); short protein forms S3L.
Identifiers: ClinVar variation 2183695 (VCV002183695.4), dbSNP rs747204624, ClinGen allele CA789868.

ClinVar aggregate classification (germline): Uncertain significance. Review status: criteria provided, multiple submitters, no conflicts (2 of 4 stars). 2 submissions from 2 submitters: Uncertain significance (2). Last evaluated 2024-02-16.

Conditions:
Neuronal ceroid lipofuscinosis 1 (CLN1). Also called: CEROID LIPOFUSCINOSIS, NEURONAL, 1, VARIABLE AGE AT ONSET; PPT1-Related Neuronal Ceroid-Lipofuscinosis. Identifiers: Orphanet 228329, MedGen C1850451, MONDO:0009744, OMIM 256730.

Allele frequency attached by ClinVar (database versions not stated): gnomAD exomes 0.00001; ExAC 0.00002.
gnomAD v4.1: 7 of 1,613,890 alleles (0.00043%); highest among the groups gnomAD compares: East Asian, 0.013%; no homozygotes.

Submissions (2):

Labcorp Genetics (formerly Invitae), Labcorp
Classification: Uncertain significance for Neuronal ceroid lipofuscinosis 1. Last evaluated: 2024-02-16. Review status: criteria provided, single submitter. Criteria: Invitae Variant Classification Sherloc (09022015). Collection method: clinical testing. Allele origin: germline.
Comment: This sequence change replaces serine, which is neutral and polar, with leucine, which is neutral and non-polar, at codon 3 of the PPT1 protein (p.Ser3Leu). This variant is present in population databases (rs747204624, gnomAD 0.01%). This variant has not been reported in the literature in individuals affected with PPT1-related conditions. ClinVar contains an entry for this variant (Variation ID: 2183695). Advanced modeling of protein sequence and biophysical properties (such as structural, functional, and spatial information, amino acid conservation, physicochemical variation, residue mobility, and thermodynamic stability) performed at Invitae indicates that this missense variant is not expected to disrupt PPT1 protein function with a negative predictive value of 95%. In summary, the available evidence is currently insufficient to determine the role of this variant in disease. Therefore, it has been classified as a Variant of Uncertain Significance.

Blueprint Genetics
Classification: Uncertain significance. Last evaluated: 2023-08-14. Review status: criteria provided, single submitter. Criteria: ACMG Guidelines, 2015. Collection method: clinical testing. Allele origin: germline.